The following is an entry in ClinVar:

NM_000370.3(TTPA):c.74A>G (p.Gln25Arg)

Gene: TTPA (alpha tocopherol transfer protein; minus strand). Cytogenetic location: 8q12.3.
Variant type: single nucleotide variant.
Coding change: c.74A>G on transcript NM_000370.3 (MANE Select); coding-DNA position 74, A replaced by G.
Protein change: p.Gln25Arg; replaces glutamine 25 with arginine.
Molecular consequence: missense variant.
Genome position (GRCh38, 1-based): chr8:63,085,948, T>C on the plus strand (A>G on the coding strand, the complement: TTPA is on the minus strand). VCF-style: chr8-63085948-T-C. GRCh37 (hg19) VCF-style: chr8-63998507-T-C.
Other names: short protein forms Q25R.
Identifiers: ClinVar variation 1365646 (VCV001365646.6), dbSNP rs894991464, ClinGen allele CA178858410.

ClinVar aggregate classification (germline): Uncertain significance. Review status: criteria provided, multiple submitters, no conflicts (2 of 4 stars). 2 submissions from 2 submitters: Uncertain significance (2). Last evaluated 2025-08-25.

Conditions:
Inborn genetic diseases. Identifiers: MedGen C0950123, MeSH D030342.

Allele frequency attached by ClinVar (database versions not stated): gnomAD 0.00001; gnomAD exomes 0.00002; TOPMed 0.00002; 1000 Genomes Project 30x 0.00031.
gnomAD v4.1: 24 of 1,524,324 alleles (0.0016%); highest among the groups gnomAD compares: Non-Finnish European, 0.0021%; no homozygotes.

Submissions (2):

Ambry Genetics
Classification: Uncertain significance for Inborn genetic diseases. Last evaluated: 2025-08-25. Review status: criteria provided, single submitter. Criteria: Ambry Variant Classification Scheme 2023. Collection method: clinical testing. Allele origin: germline.

Labcorp Genetics (formerly Invitae), Labcorp
Classification: Uncertain significance. Last evaluated: 2022-07-21. Review status: criteria provided, single submitter. Criteria: Invitae Variant Classification Sherloc (09022015). Collection method: clinical testing. Allele origin: germline.
Comment: This sequence change replaces glutamine, which is neutral and polar, with arginine, which is basic and polar, at codon 25 of the TTPA protein (p.Gln25Arg). This variant is not present in population databases (gnomAD no frequency). This variant has not been reported in the literature in individuals affected with TTPA-related conditions. ClinVar contains an entry for this variant (Variation ID: 1365646). Algorithms developed to predict the effect of missense changes on protein structure and function are either unavailable or do not agree on the potential impact of this missense change (SIFT: "Deleterious"; PolyPhen-2: "Benign"; Align-GVGD: "Class C0"). In summary, the available evidence is currently insufficient to determine the role of this variant in disease. Therefore, it has been classified as a Variant of Uncertain Significance.